The following is an entry in ClinVar:

ClinVar aggregate classification (germline): Likely pathogenic (1 of 4 stars; one submission).

Submission:

GeneDx
Classification: Likely pathogenic. Last evaluated: 2025-08-29. Review status: criteria provided, single submitter. Criteria: GeneDx Variant Classification Process June 2021. Collection method: clinical testing. Allele origin: germline. Affected: yes.
Comment: In silico analysis supports a deleterious effect on splicing; Not observed at significant frequency in large population cohorts (gnomAD); This variant is associated with the following publications: (PMID: 26969325)

NM_001042492.3(NF1):c.5610-3T>G

Gene: NF1 (neurofibromin 1; plus strand). Cytogenetic location: 17q11.2.
Variant type: single nucleotide variant.
Coding change: c.5610-3T>G on transcript NM_001042492.3 (MANE Select); 3 bases into the intron before coding-DNA position 5610, T replaced by G.
Molecular consequence: intron variant.
Genome position (GRCh38, 1-based): chr17:31,330,293, T>G. VCF-style: chr17-31330293-T-G. GRCh37 (hg19) VCF-style: chr17-29657311-T-G.
Other names: c.5547-3T>G (NM_000267.4).
Identifiers: ClinVar variation 2136174 (VCV002136174.2), dbSNP rs2069447812, ClinGen allele CA2580093355.